The following is an entry in ClinVar:

NM_002103.5(GYS1):c.324C>G (p.Ile108Met)

Gene: GYS1 (glycogen synthase 1; minus strand). Cytogenetic location: 19q13.33.
Variant type: single nucleotide variant.
Coding change: c.324C>G on transcript NM_002103.5 (MANE Select); coding-DNA position 324, C replaced by G.
Protein change: p.Ile108Met; replaces isoleucine 108 with methionine.
Molecular consequence: missense variant. On other transcripts: non-coding transcript variant (1), intron variant (1).
Genome position (GRCh38, 1-based): chr19:48,987,362, G>C on the plus strand (C>G on the coding strand, the complement: GYS1 is on the minus strand). VCF-style: chr19-48987362-G-C. GRCh37 (hg19) VCF-style: chr19-49490619-G-C.
Other names: c.301-1327C>G (NM_001161587.2); c.324C>G (NM_002103.4); short protein forms I108M.
Identifiers: ClinVar variation 998960 (VCV000998960.5), dbSNP rs5455, ClinGen allele CA9563372.

ClinVar aggregate classification (germline): Uncertain significance. Review status: criteria provided, multiple submitters, no conflicts (2 of 4 stars). 3 submissions from 3 submitters: Uncertain significance (3). Last evaluated 2024-02-21.

Conditions:
Inborn genetic diseases. Identifiers: MedGen C0950123, MeSH D030342.
Glycogen storage disease due to muscle and heart glycogen synthase deficiency. Also called: GSD 0b; MUSCLE GLYCOGEN SYNTHASE DEFICIENCY. Identifiers: Orphanet 137625, MedGen C1969054, MONDO:0012693, OMIM 611556.

Allele frequency attached by ClinVar (database versions not stated): TOPMed 0.00003.

Submissions (3):

Ambry Genetics
Classification: Uncertain significance for Inborn genetic diseases. Last evaluated: 2024-02-21. Review status: criteria provided, single submitter. Criteria: Ambry Variant Classification Scheme 2023. Collection method: clinical testing. Allele origin: germline.

Labcorp Genetics (formerly Invitae), Labcorp
Classification: Uncertain significance for Glycogen storage disease due to muscle and heart glycogen synthase deficiency. Last evaluated: 2022-11-01. Review status: criteria provided, single submitter. Criteria: Invitae Variant Classification Sherloc (09022015). Collection method: clinical testing. Allele origin: germline.
Comment: This sequence change replaces isoleucine, which is neutral and non-polar, with methionine, which is neutral and non-polar, at codon 108 of the GYS1 protein (p.Ile108Met). This variant is present in population databases (rs5455, gnomAD 0.02%). This variant has not been reported in the literature in individuals affected with GYS1-related conditions. ClinVar contains an entry for this variant (Variation ID: 998960). Advanced modeling of protein sequence and biophysical properties (such as structural, functional, and spatial information, amino acid conservation, physicochemical variation, residue mobility, and thermodynamic stability) performed at Invitae indicates that this missense variant is expected to disrupt GYS1 protein function. In summary, the available evidence is currently insufficient to determine the role of this variant in disease. Therefore, it has been classified as a Variant of Uncertain Significance.

Fulgent Genetics
Classification: Uncertain significance for Glycogen storage disease due to muscle and heart glycogen synthase deficiency. Last evaluated: 2021-10-09. Review status: criteria provided, single submitter. Criteria: ACMG Guidelines, 2015. Collection method: clinical testing. Allele origin: unknown.